The following is an entry in ClinVar:

NM_014806.5(RUSC2):c.2215dup (p.Ala739fs)

Gene: RUSC2 (RUN and SH3 domain containing 2; plus strand). Cytogenetic location: 9p13.3.
Variant type: Duplication.
Coding change: c.2215dup on transcript NM_014806.5 (MANE Select); coding-DNA position 2215, one base duplicated (G; older notation c.2215dupG).
Protein change: p.Ala739fs; shifts the reading frame from alanine 739.
Molecular consequence: frameshift variant. On other transcripts: 5 prime UTR variant (1), non-coding transcript variant (1).
Genome position (GRCh38, 1-based): chr9:35,555,260, G duplicated. VCF-style (leftmost placement, unchanged base first): chr9-35555259-T-TG. GRCh37 (hg19) VCF-style: chr9-35555256-T-TG.
Other names: c.2215dup, p.Ala739fs (NM_001135999.2); c.-420dup (NM_001330740.2); short protein forms A739fs.
Identifiers: ClinVar variation 4759765 (VCV004759765.1).

ClinVar aggregate classification (germline): Pathogenic (1 of 4 stars; one submission).

Submission:

Labcorp Genetics (formerly Invitae), Labcorp
Classification: Pathogenic. Last evaluated: 2025-06-29. Review status: criteria provided, single submitter. Criteria: Invitae Variant Classification Sherloc (09022015). Collection method: clinical testing. Allele origin: germline.
Comment: This sequence change creates a premature translational stop signal (p.Ala739Glyfs*30) in the RUSC2 gene. It is expected to result in an absent or disrupted protein product. Loss-of-function variants in RUSC2 are known to be pathogenic (PMID: 27612186). This variant is not present in population databases (gnomAD no frequency). This variant has not been reported in the literature in individuals affected with RUSC2-related conditions. For these reasons, this variant has been classified as Pathogenic.

Literature cited by the submitters: PubMed 27612186.